The following is an entry in ClinVar:

ClinVar aggregate classification (germline): Uncertain significance (1 of 4 stars; one submission).

Submission:

Labcorp Genetics (formerly Invitae), Labcorp
Classification: Uncertain significance. Last evaluated: 2022-05-03. Review status: criteria provided, single submitter. Criteria: Invitae Variant Classification Sherloc (09022015). Collection method: clinical testing. Allele origin: germline.
Comment: In summary, the available evidence is currently insufficient to determine the role of this variant in disease. Therefore, it has been classified as a Variant of Uncertain Significance. Algorithms developed to predict the effect of missense changes on protein structure and function are either unavailable or do not agree on the potential impact of this missense change (SIFT: "Deleterious"; PolyPhen-2: "Benign"; Align-GVGD: "Class C0"). ClinVar contains an entry for this variant (Variation ID: 657144). This variant has not been reported in the literature in individuals affected with CTNNA1-related conditions. This variant is not present in population databases (gnomAD no frequency). This sequence change replaces glutamine, which is neutral and polar, with glutamic acid, which is acidic and polar, at codon 887 of the CTNNA1 protein (p.Gln887Glu).

NM_001903.5(CTNNA1):c.2659C>G (p.Gln887Glu)

Gene: CTNNA1 (catenin alpha 1; plus strand). Cytogenetic location: 5q31.2.
Variant type: single nucleotide variant.
Coding change: c.2659C>G on transcript NM_001903.5 (MANE Select); coding-DNA position 2659, C replaced by G.
Protein change: p.Gln887Glu; replaces glutamine 887 with glutamic acid.
Molecular consequence: missense variant. On other transcripts: 3 prime UTR variant (5).
Genome position (GRCh38, 1-based): chr5:138,934,027, C>G. VCF-style: chr5-138934027-C-G. GRCh37 (hg19) VCF-style: chr5-138269716-C-G.
Other names: c.*204C>G (NM_001290307.3, NM_001324002.1, NM_001324003.1 and 2 more transcripts); c.2350C>G, p.Gln784Glu (NM_001290309.3); c.2290C>G, p.Gln764Glu (NM_001290310.3); c.1549C>G, p.Gln517Glu (NM_001290312.1, NM_001323987.1, NM_001323988.1 and 12 more transcripts); c.2659C>G, p.Gln887Glu (NM_001323982.2, NM_001323983.1, NM_001323984.2); c.2632C>G, p.Gln878Glu (NM_001323985.2); c.2566C>G, p.Gln856Glu (NM_001323986.2); c.1414C>G, p.Gln472Glu (NM_001324001.1); and 3 more; short protein forms Q472E, Q764E, Q784E, Q404E, Q887E, Q517E, Q856E, Q878E.
Identifiers: ClinVar variation 657144 (VCV000657144.8), dbSNP rs1580946793, ClinGen allele CA361135707.